The following is an entry in ClinVar:

NM_001079559.3(HNRNPUL2):c.157C>T (p.Pro53Ser)

Genes: HNRNPUL2 (heterogeneous nuclear ribonucleoprotein U like 2; minus strand), HNRNPUL2-BSCL2 (HNRNPUL2-BSCL2 readthrough (NMD candidate); minus strand), LOC130005850 (ATAC-STARR-seq lymphoblastoid silent region 3427; plus strand). Cytogenetic location: 11q12.3.
Variant type: single nucleotide variant.
Coding change: c.157C>T on transcript NM_001079559.3 (MANE Select); coding-DNA position 157, C replaced by T.
Protein change: p.Pro53Ser; replaces proline 53 with serine.
Molecular consequence: missense variant. On other transcripts: non-coding transcript variant (1).
Genome position (GRCh38, 1-based): chr11:62,727,000, G>A on the plus strand (C>T on the coding strand, the complement: HNRNPUL2 is on the minus strand). VCF-style: chr11-62727000-G-A. GRCh37 (hg19) VCF-style: chr11-62494472-G-A.
Other names: short protein forms P53S.
Identifiers: ClinVar variation 3048240 (VCV003048240.2), dbSNP rs965932522, ClinGen allele CA223602489.

ClinVar aggregate classification (germline): Likely benign (0 of 4 stars; one submission).

Conditions:
HNRNPUL2-related disorder. Also called: HNRNPUL2-related condition.

Allele frequency attached by ClinVar (database versions not stated): TOPMed 0.00076; gnomAD 0.00086; gnomAD exomes 0.00148.
gnomAD v4.1: 1,876 of 1,357,460 alleles (0.14%); highest among the groups gnomAD compares: Non-Finnish European, 0.17%; 5 homozygotes.

Submission:

PreventionGenetics, part of Exact Sciences
Classification: Likely benign for HNRNPUL2-related condition. Last evaluated: 2023-03-10. Review status: no assertion criteria provided. Collection method: clinical testing. Allele origin: germline.
Comment: This variant is classified as likely benign based on ACMG/AMP sequence variant interpretation guidelines (Richards et al. 2015 PMID: 25741868, with internal and published modifications).